The following is an entry in ClinVar:

NM_004539.4(NARS1):c.206T>C (p.Met69Thr)

Gene: NARS1 (asparaginyl-tRNA synthetase 1; minus strand). Cytogenetic location: 18q21.31.
Variant type: single nucleotide variant.
Coding change: c.206T>C on transcript NM_004539.4 (MANE Select); coding-DNA position 206, T replaced by C.
Protein change: p.Met69Thr; replaces methionine 69 with threonine.
Molecular consequence: missense variant.
Genome position (GRCh38, 1-based): chr18:57,615,863, A>G on the plus strand (T>C on the coding strand, the complement: NARS1 is on the minus strand). VCF-style: chr18-57615863-A-G. GRCh37 (hg19) VCF-style: chr18-55283095-A-G.
Other names: short protein forms M69T.
Identifiers: ClinVar variation 2854925 (VCV002854925.3), dbSNP rs2511576790, ClinGen allele CA402553700.
Genomic context (GRCh38, chr18:57,615,863, plus strand): 5'-AGGTCAGGACTCACCTCTTTCTTTTCCCGGGATTCACTCTTCATTTGTTCCCTATGCCAC[A>G]TCTTTTTAATGTTCTTCAACTGTGATTTAGAAATAACATTCCACCTCTCATTTTCTTTTT-3'
Protein context (NP_004530.1, residues 59-79): SKSQLKNIKK[Met69Thr]WHREQMKSES

ClinVar aggregate classification (germline): Uncertain significance (1 of 4 stars; one submission).

Submission:

Labcorp Genetics (formerly Invitae), Labcorp
Classification: Uncertain significance. Last evaluated: 2025-04-27. Review status: criteria provided, single submitter. Criteria: Invitae Variant Classification Sherloc (09022015). Collection method: clinical testing. Allele origin: germline.
Comment: This sequence change replaces methionine, which is neutral and non-polar, with threonine, which is neutral and polar, at codon 69 of the NARS1 protein (p.Met69Thr). This variant is not present in population databases (gnomAD no frequency). This variant has not been reported in the literature in individuals affected with NARS1-related conditions. ClinVar contains an entry for this variant (Variation ID: 2854925). An algorithm developed to predict the effect of missense changes on protein structure and function (PolyPhen-2) suggests that this variant is likely to be tolerated. In summary, the available evidence is currently insufficient to determine the role of this variant in disease. Therefore, it has been classified as a Variant of Uncertain Significance.